The following is an entry in ClinVar:

NM_002439.5(MSH3):c.1157T>A (p.Ile386Asn)

Gene: MSH3 (mutS homolog 3; plus strand). Cytogenetic location: 5q14.1.
Variant type: single nucleotide variant.
Coding change: c.1157T>A on transcript NM_002439.5 (MANE Select); coding-DNA position 1157, T replaced by A.
Protein change: p.Ile386Asn; replaces isoleucine 386 with asparagine.
Molecular consequence: missense variant.
Genome position (GRCh38, 1-based): chr5:80,675,112, T>A. VCF-style: chr5-80675112-T-A. GRCh37 (hg19) VCF-style: chr5-79970931-T-A.
Other names: c.1157T>A (NM_002439.3); short protein forms I386N.
Identifiers: ClinVar variation 2724738 (VCV002724738.4), dbSNP rs2546724425, ClinGen allele CA360268362.

ClinVar aggregate classification (germline): Uncertain significance. Review status: criteria provided, multiple submitters, no conflicts (2 of 4 stars). 2 submissions from 2 submitters: Uncertain significance (2). Last evaluated 2025-04-03.

Conditions:
Hereditary cancer-predisposing syndrome. Also called: Neoplastic Syndromes, Hereditary; Tumor predisposition; Hereditary neoplastic syndrome; Hereditary Cancer Syndrome. Identifiers: Orphanet 140162, MedGen C0027672, MeSH D009386, MONDO:0015356.

Submissions (2):

Ambry Genetics
Classification: Uncertain significance for Hereditary cancer-predisposing syndrome. Last evaluated: 2025-04-03. Review status: criteria provided, single submitter. Criteria: Ambry Variant Classification Scheme 2023. Collection method: clinical testing. Allele origin: germline.
Comment: The p.I386N variant (also known as c.1157T>A), located in coding exon 7 of the MSH3 gene, results from a T to A substitution at nucleotide position 1157. The isoleucine at codon 386 is replaced by asparagine, an amino acid with dissimilar properties. This amino acid position is conserved. In addition, the in silico prediction for this alteration is inconclusive. Based on the available evidence, the clinical significance of this variant remains unclear.

Labcorp Genetics (formerly Invitae), Labcorp
Classification: Uncertain significance. Last evaluated: 2023-09-01. Review status: criteria provided, single submitter. Criteria: Invitae Variant Classification Sherloc (09022015). Collection method: clinical testing. Allele origin: germline.
Comment: This variant is not present in population databases (gnomAD no frequency). This variant has not been reported in the literature in individuals affected with MSH3-related conditions. An algorithm developed to predict the effect of missense changes on protein structure and function (PolyPhen-2) suggests that this variant is likely to be tolerated. In summary, the available evidence is currently insufficient to determine the role of this variant in disease. Therefore, it has been classified as a Variant of Uncertain Significance. This sequence change replaces isoleucine, which is neutral and non-polar, with asparagine, which is neutral and polar, at codon 386 of the MSH3 protein (p.Ile386Asn).